The following is an entry in ClinVar:

ClinVar aggregate classification (germline): Uncertain significance. Review status: criteria provided, single submitter (1 of 4 stars). 2 submissions from 2 submitters: Uncertain significance (1). 1 of the submissions does not count toward it. Last evaluated 2025-12-10.

Conditions:
DNMT3A-related disorder. Also called: DNMT3A-related disorders; DNMT3A-related condition.
Tatton-Brown-Rahman overgrowth syndrome. Also called: Tatton-Brown-Rahman syndrome; Tall stature-intellectual disability-facial dysmorphism syndrome. Identifiers: Orphanet 404443, MedGen C4014545, MONDO:0014382, OMIM 615879.

Allele frequency attached by ClinVar (database versions not stated): gnomAD 0.00001; gnomAD exomes 0.00001 and 0.00002.
gnomAD v4.1: 7 of 1,613,064 alleles (0.00043%); highest among the groups gnomAD compares: Admixed American, 0.012%; no homozygotes.

Submissions (2):

Labcorp Genetics (formerly Invitae), Labcorp
Classification: Uncertain significance for Tatton-Brown-Rahman overgrowth syndrome. Last evaluated: 2025-12-10. Review status: criteria provided, single submitter. Criteria: Invitae Variant Classification Sherloc (09022015). Collection method: clinical testing. Allele origin: germline.
Comment: This sequence change replaces glycine, which is neutral and non-polar, with arginine, which is basic and polar, at codon 232 of the DNMT3A protein (p.Gly232Arg). This variant is present in population databases (no rsID available, gnomAD 0.02%). This variant has not been reported in the literature in individuals affected with DNMT3A-related conditions. ClinVar contains an entry for this variant (Variation ID: 1491122). Invitae Evidence Modeling of protein sequence and biophysical properties (such as structural, functional, and spatial information, amino acid conservation, physicochemical variation, residue mobility, and thermodynamic stability) indicates that this missense variant is not expected to disrupt DNMT3A protein function with a negative predictive value of 95%. In summary, the available evidence is currently insufficient to determine the role of this variant in disease. Therefore, it has been classified as a Variant of Uncertain Significance.

PreventionGenetics, part of Exact Sciences
Classification: Uncertain significance for DNMT3A-related condition. Last evaluated: 2024-07-01. Review status: no assertion criteria provided. Collection method: clinical testing. Allele origin: germline. Not counted in ClinVar's aggregate classification.
Comment: The DNMT3A c.694G>A variant is predicted to result in the amino acid substitution p.Gly232Arg. To our knowledge, this variant has not been reported in the literature. This variant is reported in 0.015% of alleles in individuals of Latino descent in gnomAD. At this time, the clinical significance of this variant is uncertain due to the absence of conclusive functional and genetic evidence.

NM_022552.5(DNMT3A):c.694G>A (p.Gly232Arg)

Gene: DNMT3A (DNA methyltransferase 3 alpha; minus strand). Cytogenetic location: 2p23.3.
Variant type: single nucleotide variant.
Coding change: c.694G>A on transcript NM_022552.5 (MANE Select); coding-DNA position 694, G replaced by A.
Protein change: p.Gly232Arg; replaces glycine 232 with arginine.
Molecular consequence: missense variant. On other transcripts: non-coding transcript variant (1).
Genome position (GRCh38, 1-based): chr2:25,248,198, C>T on the plus strand (G>A on the coding strand, the complement: DNMT3A is on the minus strand). VCF-style: chr2-25248198-C-T. GRCh37 (hg19) VCF-style: chr2-25471067-C-T.
Other names: c.238G>A, p.Gly80Arg (NM_001320893.1); c.25G>A, p.Gly9Arg (NM_001375819.1); c.127G>A, p.Gly43Arg (NM_153759.3); c.694G>A, p.Gly232Arg (NM_175629.2); short protein forms G80R, G232R, G43R, G9R.
Identifiers: ClinVar variation 1491122 (VCV001491122.9), dbSNP rs916077424, ClinGen allele CA43707012.